The following is an entry in ClinVar:

ClinVar aggregate classification (germline): Uncertain significance. Review status: criteria provided, multiple submitters, no conflicts (2 of 4 stars). 2 submissions from 2 submitters: Uncertain significance (2). Last evaluated 2025-11-19.

Conditions:
Inborn genetic diseases. Identifiers: MedGen C0950123, MeSH D030342.

Allele frequency attached by ClinVar (database versions not stated): ExAC 0.00002; gnomAD 0.00005; TOPMed 0.00002; 1000 Genomes Project 30x 0.00031; 1000 Genomes Project 0.00040.
gnomAD v4.1: 23 of 1,611,608 alleles (0.0014%); highest among the groups gnomAD compares: Middle Eastern, 0.033%; no homozygotes.

Submissions (2):

Ambry Genetics
Classification: Uncertain significance for Inborn genetic diseases. Last evaluated: 2025-11-19. Review status: criteria provided, single submitter. Criteria: Ambry Variant Classification Scheme 2023. Collection method: clinical testing. Allele origin: germline.

Labcorp Genetics (formerly Invitae), Labcorp
Classification: Uncertain significance. Last evaluated: 2021-12-09. Review status: criteria provided, single submitter. Criteria: Invitae Variant Classification Sherloc (09022015). Collection method: clinical testing. Allele origin: germline.
Comment: This sequence change replaces asparagine, which is neutral and polar, with serine, which is neutral and polar, at codon 613 of the TBCK protein (p.Asn613Ser). This variant is present in population databases (rs190415816, gnomAD 0.007%). This variant has not been reported in the literature in individuals affected with TBCK-related conditions. Algorithms developed to predict the effect of missense changes on protein structure and function (SIFT, PolyPhen-2, Align-GVGD) all suggest that this variant is likely to be tolerated. Algorithms developed to predict the effect of sequence changes on RNA splicing suggest that this variant may create or strengthen a splice site. In summary, the available evidence is currently insufficient to determine the role of this variant in disease. Therefore, it has been classified as a Variant of Uncertain Significance.

NM_001163435.3(TBCK):c.1838A>G (p.Asn613Ser)

Gene: TBCK (TBC1 domain containing kinase; minus strand). Cytogenetic location: 4q24.
Variant type: single nucleotide variant.
Coding change: c.1838A>G on transcript NM_001163435.3 (MANE Select); coding-DNA position 1838, A replaced by G.
Protein change: p.Asn613Ser; replaces asparagine 613 with serine.
Molecular consequence: missense variant.
Genome position (GRCh38, 1-based): chr4:106,212,772, T>C on the plus strand (A>G on the coding strand, the complement: TBCK is on the minus strand). VCF-style: chr4-106212772-T-C. GRCh37 (hg19) VCF-style: chr4-107133929-T-C.
Other names: c.1838A>G, p.Asn613Ser (NM_001163436.4); c.1721A>G, p.Asn574Ser (NM_001163437.3); c.1322A>G, p.Asn441Ser (NM_001290768.2); c.1649A>G, p.Asn550Ser (NM_033115.5); c.1838A>G (NM_001163435.1); short protein forms N574S, N550S, N441S, N613S.
Identifiers: ClinVar variation 1967090 (VCV001967090.3), dbSNP rs190415816, ClinGen allele CA3034920.